The following is an entry in ClinVar:

ClinVar aggregate classification (germline): Benign/Likely benign. Review status: criteria provided, multiple submitters, no conflicts (2 of 4 stars). 5 submissions from 5 submitters: Benign (4); Likely benign (1). Last evaluated 2026-02-02.

Conditions:
Primary ciliary dyskinesia. Also called: Ciliary dyskinesia. Identifiers: Orphanet 244, MedGen C0008780, MONDO:0016575, HP:0012265.

Allele frequency attached by ClinVar (database versions not stated): ESP Exome Variant Server 0.00161; gnomAD 0.00445 and 0.00764; TOPMed 0.00726; gnomAD exomes 0.02037; 1000 Genomes Project 30x 0.02748; 1000 Genomes Project 0.02975; ExAC 0.03866.
gnomAD v4.1: 12,262 of 1,519,198 alleles (0.81%); highest among the groups gnomAD compares: South Asian, 7.3%; 459 homozygotes.

Submissions (5):

Labcorp Genetics (formerly Invitae), Labcorp
Classification: Benign for Primary ciliary dyskinesia. Last evaluated: 2026-02-02. Review status: criteria provided, single submitter. Criteria: Invitae Variant Classification Sherloc (09022015). Collection method: clinical testing. Allele origin: germline.

GeneDx
Classification: Benign. Last evaluated: 2019-01-16. Review status: criteria provided, single submitter. Criteria: GeneDx Variant Classification Process June 2021. Collection method: clinical testing. Allele origin: germline. Affected: yes.

Laboratory for Molecular Medicine, Mass General Brigham Personalized Medicine
Classification: Benign. Last evaluated: 2013-02-21. Review status: criteria provided, single submitter. Criteria: LMM Criteria. Collection method: clinical testing. Allele origin: germline. Observed: 1 variant allele.
Comment: 4726-15T>C in intron 26 of DNAH11: This variant is not expected to have clinical significance because it has been identified in 6.7% (12/178) of Japanese chromo somes from a broad population by the 1000 Genomes Project (dbSNP rs17144822).

Breakthrough Genomics
Classification: Likely benign. Review status: criteria provided, single submitter. Criteria: ACMG Guidelines, 2015. Collection method: not provided. Allele origin: germline. Inheritance: Autosomal recessive inheritance. Affected: yes.

PreventionGenetics, part of Exact Sciences
Classification: Benign. Review status: criteria provided, single submitter. Criteria: ACMG Guidelines, 2015. Collection method: clinical testing. Allele origin: germline.

NM_001277115.2(DNAH11):c.4726-15T>C

Gene: DNAH11 (dynein axonemal heavy chain 11; plus strand). Cytogenetic location: 7p15.3.
Variant type: single nucleotide variant.
Coding change: c.4726-15T>C on transcript NM_001277115.2 (MANE Select); 15 bases into the intron before coding-DNA position 4726, T replaced by C.
Molecular consequence: intron variant.
Genome position (GRCh38, 1-based): chr7:21,637,596, T>C. VCF-style: chr7-21637596-T-C. GRCh37 (hg19) VCF-style: chr7-21677214-T-C.
Identifiers: ClinVar variation 226585 (VCV000226585.20), dbSNP rs17144822, ClinGen allele CA4180150.